The following is an entry in ClinVar:

ClinVar aggregate classification (germline): Benign/Likely benign. Review status: criteria provided, multiple submitters, no conflicts (2 of 4 stars). 5 submissions from 5 submitters: Benign (3); Likely benign (2). Last evaluated 2026-02-04.

Conditions:
Transcobalamin II deficiency (TCN2D). Also called: TC II DEFICIENCY; TCN2 DEFICIENCY; Transcolabamin II deficiency. Identifiers: Orphanet 859, MedGen C0342701, MONDO:0010149, OMIM 275350.

Allele frequency attached by ClinVar (database versions not stated): 1000 Genomes Project 0.01438; 1000 Genomes Project 30x 0.01499; ESP Exome Variant Server 0.02399; TOPMed 0.02421; gnomAD 0.02462 and 0.02514; ExAC 0.02490; gnomAD exomes 0.02532.
gnomAD v4.1: 50,305 of 1,614,028 alleles (3.1%); highest among the groups gnomAD compares: Non-Finnish European, 3.6%; 957 homozygotes.

Submissions (5):

Labcorp Genetics (formerly Invitae), Labcorp
Classification: Benign for Transcobalamin II deficiency. Last evaluated: 2026-02-04. Review status: criteria provided, single submitter. Criteria: Invitae Variant Classification Sherloc (09022015). Collection method: clinical testing. Allele origin: germline.

Mayo Clinic Laboratories, Mayo Clinic
Classification: Benign. Last evaluated: 2025-09-16. Review status: criteria provided, single submitter. Criteria: ACMG Guidelines, 2015. Collection method: clinical testing. Allele origin: germline. Observed: 10 variant alleles.
Comment: BA1, BS2, BP4, BP7

GeneDx
Classification: Likely benign. Last evaluated: 2021-04-14. Review status: criteria provided, single submitter. Criteria: GeneDx Variant Classification Process June 2021. Collection method: clinical testing. Allele origin: germline. Affected: yes.

Illumina Laboratory Services, Illumina
Classification: Benign for Transcobalamin II deficiency. Last evaluated: 2018-01-13. Review status: criteria provided, single submitter. Criteria: ICSL Variant Classification Criteria 13 December 2019. Collection method: clinical testing. Allele origin: germline.
Comment: This variant was observed in the ICSL laboratory as part of a predisposition screen in an ostensibly healthy population. It had not been previously curated by ICSL or reported in the Human Gene Mutation Database (HGMD: prior to June 1st, 2018), and was therefore a candidate for classification through an automated scoring system. Utilizing variant allele frequency, disease prevalence and penetrance estimates, and inheritance mode, an automated score was calculated to assess if this variant is too frequent to cause the disease. Based on the score and internal cut-off values, a variant classified as benign is not then subjected to further curation. The score for this variant resulted in a classification of benign for this disease.

Breakthrough Genomics
Classification: Likely benign. Review status: criteria provided, single submitter. Criteria: ACMG Guidelines, 2015. Collection method: not provided. Allele origin: germline. Inheritance: Autosomal recessive inheritance. Affected: yes.

NM_000355.4(TCN2):c.1023G>A (p.Pro341=)

Gene: TCN2 (transcobalamin 2; plus strand). Cytogenetic location: 22q12.2.
Variant type: single nucleotide variant.
Coding change: c.1023G>A on transcript NM_000355.4 (MANE Select); coding-DNA position 1023, G replaced by A.
Protein change: p.Pro341=; no amino-acid change (proline 341 retained).
Molecular consequence: synonymous variant.
Genome position (GRCh38, 1-based): chr22:30,617,412, G>A. VCF-style: chr22-30617412-G-A. GRCh37 (hg19) VCF-style: chr22-31013399-G-A.
Other names: p.Pro341=; c.942G>A, p.Pro314= (NM_001184726.2).
Identifiers: ClinVar variation 341210 (VCV000341210.19), dbSNP rs76802001, ClinGen allele CA10184934.